The following is an entry in ClinVar:

NM_177972.3(TUB):c.1481T>C (p.Ile494Thr)

Genes: RIC3 (RIC3 acetylcholine receptor chaperone; minus strand), TUB (TUB bipartite transcription factor; plus strand). Cytogenetic location: 11p15.4.
Variant type: single nucleotide variant.
Coding change: c.1481T>C on transcript NM_177972.3 (MANE Select); coding-DNA position 1481, T replaced by C.
Protein change: p.Ile494Thr; replaces isoleucine 494 with threonine.
Molecular consequence: missense variant.
Genome position (GRCh38, 1-based): chr11:8,101,579, T>C. VCF-style: chr11-8101579-T-C. GRCh37 (hg19) VCF-style: chr11-8123126-T-C.
Other names: c.1646T>C, p.Ile549Thr (NM_003320.5); short protein forms I494T, I549T.
Identifiers: ClinVar variation 1401672 (VCV001401672.8), dbSNP rs2133920498, ClinGen allele CA379572670.

ClinVar aggregate classification (germline): Uncertain significance (1 of 4 stars; one submission).

gnomAD v4.1: 3 of 1,614,258 alleles (0.00019%); highest among the groups gnomAD compares: South Asian, 0.0011%; no homozygotes.

Submission:

Labcorp Genetics (formerly Invitae), Labcorp
Classification: Uncertain significance. Last evaluated: 2021-06-18. Review status: criteria provided, single submitter. Criteria: Invitae Variant Classification Sherloc (09022015). Collection method: clinical testing. Allele origin: germline.
Comment: This variant has not been reported in the literature in individuals with TUB-related conditions. Algorithms developed to predict the effect of missense changes on protein structure and function (SIFT, PolyPhen-2, Align-GVGD) all suggest that this variant is likely to be disruptive, but these predictions have not been confirmed by published functional studies and their clinical significance is uncertain. In summary, the available evidence is currently insufficient to determine the role of this variant in disease. Therefore, it has been classified as a Variant of Uncertain Significance. This variant is not present in population databases (ExAC no frequency). This sequence change replaces isoleucine with threonine at codon 549 of the TUB protein (p.Ile549Thr). The isoleucine residue is highly conserved and there is a moderate physicochemical difference between isoleucine and threonine.